The following is an entry in ClinVar:

ClinVar aggregate classification (germline): Uncertain significance. Review status: criteria provided, multiple submitters, no conflicts (2 of 4 stars). 2 submissions from 2 submitters: Uncertain significance (2). Last evaluated 2024-03-07.

Conditions:
Primary familial hypertrophic cardiomyopathy (HCM). Identifiers: Orphanet 99739, MedGen C0949658, MeSH D024741, MONDO:0024573. Inheritance: Various modes of inheritance.
Hypertrophic cardiomyopathy 25 (CMH25). Also called: CARDIOMYOPATHY, FAMILIAL HYPERTROPHIC, 25. Identifiers: MedGen C4225408, MONDO:0011843, OMIM 607487.

gnomAD v4.1: 5 of 1,612,584 alleles (0.00031%); highest among the groups gnomAD compares: Non-Finnish European, 0.00042%; no homozygotes.

Submissions (2):

Labcorp Genetics (formerly Invitae), Labcorp
Classification: Uncertain significance for Hypertrophic cardiomyopathy 25; Primary familial hypertrophic cardiomyopathy. Last evaluated: 2024-03-07. Review status: criteria provided, single submitter. Criteria: Invitae Variant Classification Sherloc (09022015). Collection method: clinical testing. Allele origin: germline.
Comment: This sequence change replaces aspartic acid, which is acidic and polar, with alanine, which is neutral and non-polar, at codon 129 of the TCAP protein (p.Asp129Ala). This variant is not present in population databases (gnomAD no frequency). This variant has not been reported in the literature in individuals affected with TCAP-related conditions. ClinVar contains an entry for this variant (Variation ID: 464948). An algorithm developed to predict the effect of missense changes on protein structure and function (PolyPhen-2) suggests that this variant is likely to be tolerated. In summary, the available evidence is currently insufficient to determine the role of this variant in disease. Therefore, it has been classified as a Variant of Uncertain Significance.

Revvity Omics, Revvity
Classification: Uncertain significance. Last evaluated: 2021-03-01. Review status: criteria provided, single submitter. Criteria: ACMG Guidelines, 2015. Collection method: clinical testing. Allele origin: germline.

NM_003673.4(TCAP):c.386A>C (p.Asp129Ala)

Gene: TCAP (titin-cap; plus strand). Cytogenetic location: 17q12.
Variant type: single nucleotide variant.
Coding change: c.386A>C on transcript NM_003673.4 (MANE Select); coding-DNA position 386, A replaced by C.
Protein change: p.Asp129Ala; replaces aspartic acid 129 with alanine.
Molecular consequence: missense variant.
Genome position (GRCh38, 1-based): chr17:39,665,991, A>C. VCF-style: chr17-39665991-A-C. GRCh37 (hg19) VCF-style: chr17-37822244-A-C.
Other names: short protein forms D129A.
Identifiers: ClinVar variation 464948 (VCV000464948.12), dbSNP rs1324156287, ClinGen allele CA399305471.